The following is an entry in ClinVar:

ClinVar aggregate classification (germline): Uncertain significance (1 of 4 stars; one submission).

Submission:

GeneDx
Classification: Uncertain significance. Last evaluated: 2022-05-16. Review status: criteria provided, single submitter. Criteria: GeneDx Variant Classification Process June 2021. Collection method: clinical testing. Allele origin: germline. Affected: yes.
Comment: Not observed at significant frequency in large population cohorts (gnomAD); In silico analysis supports that this missense variant has a deleterious effect on protein structure/function; Has not been previously published as pathogenic or benign to our knowledge

NM_006164.5(NFE2L2):c.1425C>G (p.Asn475Lys)

Gene: NFE2L2 (NFE2 like bZIP transcription factor 2; minus strand). Cytogenetic location: 2q31.2.
Variant type: single nucleotide variant.
Coding change: c.1425C>G on transcript NM_006164.5 (MANE Select); coding-DNA position 1425, C replaced by G.
Protein change: p.Asn475Lys; replaces asparagine 475 with lysine.
Molecular consequence: missense variant.
Genome position (GRCh38, 1-based): chr2:177,231,178, G>C on the plus strand (C>G on the coding strand, the complement: NFE2L2 is on the minus strand). VCF-style: chr2-177231178-G-C. GRCh37 (hg19) VCF-style: chr2-178095906-G-C.
Other names: c.1377C>G, p.Asn459Lys (NM_001145412.3, NM_001313900.1, NM_001313901.1); c.1356C>G, p.Asn452Lys (NM_001145413.3); c.1335C>G, p.Asn445Lys (NM_001313902.2); c.1206C>G, p.Asn402Lys (NM_001313903.2); c.1125C>G, p.Asn375Lys (NM_001313904.1); short protein forms N375K, N402K, N445K, N452K, N459K, N475K.
Identifiers: ClinVar variation 1800481 (VCV001800481.1), dbSNP rs1689530663, ClinGen allele CA349368936.